The following is an entry in ClinVar:

ClinVar aggregate classification (germline): Benign/Likely benign. Review status: criteria provided, multiple submitters, no conflicts (2 of 4 stars). 2 submissions from 2 submitters: Benign (1); Likely benign (1). Last evaluated 2026-07-01.

Allele frequency attached by ClinVar (database versions not stated): TOPMed 0.00183; ESP Exome Variant Server 0.00192; 1000 Genomes Project 30x 0.00219; 1000 Genomes Project 0.00220.
gnomAD v4.1: 5,959 of 1,613,540 alleles (0.37%); highest among the groups gnomAD compares: Non-Finnish European, 0.38%; 20 homozygotes.

Submissions (2):

CeGaT Center for Human Genetics Tuebingen
Classification: Likely benign. Last evaluated: 2026-07-01. Review status: criteria provided, single submitter. Criteria: CeGaT Center For Human Genetics Tuebingen Variant Classification Criteria Version 2. Collection method: clinical testing. Allele origin: germline. Affected: yes. Observed: 4 variant alleles.
Comment: ZBTB16: BP4, BP7, BS2

Labcorp Genetics (formerly Invitae), Labcorp
Classification: Benign. Last evaluated: 2019-12-31. Review status: criteria provided, single submitter. Criteria: Invitae Variant Classification Sherloc (09022015). Collection method: clinical testing. Allele origin: germline.

NM_006006.6(ZBTB16):c.672C>G (p.Pro224=)

Gene: ZBTB16 (zinc finger and BTB domain containing 16; plus strand). Cytogenetic location: 11q23.2.
Variant type: single nucleotide variant.
Coding change: c.672C>G on transcript NM_006006.6 (MANE Select); coding-DNA position 672, C replaced by G.
Protein change: p.Pro224=; no amino-acid change (proline 224 retained).
Molecular consequence: synonymous variant.
Genome position (GRCh38, 1-based): chr11:114,063,972, C>G. VCF-style: chr11-114063972-C-G. GRCh37 (hg19) VCF-style: chr11-113934694-C-G.
Other names: c.672C>G, p.Pro224= (NM_001018011.3, NM_001354750.2, NM_001354751.2 and 1 more transcripts).
Identifiers: ClinVar variation 731188 (VCV000731188.18), dbSNP rs35784831, ClinGen allele CA6285064.
Genomic context (GRCh38, chr11:114,063,972, plus strand): 5'-CAGTTTGATGACCATAGGACAGTCTCTCCTGCAGGGAACTCTTCAGCCACCTGCAGGGCC[C>G]GAGGAGCCAACTCTGGCTGGGGGTGGGCGGCACCCTGGGGTGGCTGAGGTGAAGACGGAG-3'
Protein context (NP_005997.2, residues 214-234): LQGTLQPPAG[Pro224=]EEPTLAGGGR